The following is an entry in ClinVar:

ClinVar aggregate classification (germline): Conflicting classifications of pathogenicity. Review status: criteria provided, conflicting classifications (1 of 4 stars). 3 submissions from 3 submitters: Uncertain significance (1); Likely benign (2). Last evaluated 2025-07-14.

Conditions:
Hereditary cancer-predisposing syndrome. Also called: Neoplastic Syndromes, Hereditary; Tumor predisposition; Hereditary neoplastic syndrome; Hereditary Cancer Syndrome. Identifiers: Orphanet 140162, MedGen C0027672, MeSH D009386, MONDO:0015356.
Tuberous sclerosis 1 (TSC1). Identifiers: Orphanet 805, MedGen C1854465, MONDO:0008612, OMIM 191100.
Tuberous sclerosis syndrome (TSC). Also called: Tuberous sclerosis; Tuberous Sclerosis Complex. Identifiers: Orphanet 805, MedGen C0041341, MONDO:0001734.

Submissions (3):

Color Diagnostics, LLC DBA Color Health
Classification: Uncertain significance for Tuberous sclerosis syndrome. Last evaluated: 2025-07-14. Review status: criteria provided, single submitter. Criteria: ACMG Guidelines, 2015. Collection method: clinical testing. Allele origin: germline.
Comment: This variant is located in the TSC1 protein. To our knowledge, functional studies have not been reported for this variant. This variant has not been reported in individuals affected with TSC1-related disorders in the literature. This variant has not been identified in the general population by the Genome Aggregation Database (gnomAD). The available evidence is insufficient to determine the role of this variant in disease conclusively. Therefore, this variant is classified as a Variant of Uncertain Significance.

Labcorp Genetics (formerly Invitae), Labcorp
Classification: Likely benign for Tuberous sclerosis 1. Last evaluated: 2023-12-31. Review status: criteria provided, single submitter. Criteria: Invitae Variant Classification Sherloc (09022015). Collection method: clinical testing. Allele origin: germline.

Ambry Genetics
Classification: Likely benign for Hereditary cancer-predisposing syndrome. Last evaluated: 2020-11-03. Review status: criteria provided, single submitter. Criteria: Ambry Variant Classification Scheme 2023. Collection method: clinical testing. Allele origin: germline.

NM_000368.5(TSC1):c.2973A>G (p.Glu991=)

Gene: TSC1 (TSC complex subunit 1; minus strand). Cytogenetic location: 9q34.13.
Variant type: single nucleotide variant.
Coding change: c.2973A>G on transcript NM_000368.5 (MANE Select); coding-DNA position 2973, A replaced by G.
Protein change: p.Glu991=; no amino-acid change (glutamic acid 991 retained).
Molecular consequence: synonymous variant. On other transcripts: non-coding transcript variant (5).
Genome position (GRCh38, 1-based): chr9:132,897,186, T>C on the plus strand (A>G on the coding strand, the complement: TSC1 is on the minus strand). VCF-style: chr9-132897186-T-C. GRCh37 (hg19) VCF-style: chr9-135772573-T-C.
Other names: c.2970A>G, p.Glu990= (NM_001162426.2, NM_001406597.1, NM_001406598.1 and 2 more transcripts); c.2820A>G, p.Glu940= (NM_001162427.2, NM_001406610.1); c.2610A>G, p.Glu870= (NM_001362177.2, NM_001406614.1, NM_001406615.1 and 4 more transcripts); c.2973A>G, p.Glu991= (NM_001406592.1, NM_001406593.1, NM_001406594.1 and 2 more transcripts); c.2958A>G, p.Glu986= (NM_001406601.1, NM_001406602.1); c.2955A>G, p.Glu985= (NM_001406603.1, NM_001406604.1); c.2931A>G, p.Glu977= (NM_001406605.1, NM_001406606.1, NM_001406607.1); c.2928A>G, p.Glu976= (NM_001406608.1, NM_001406609.1); and 8 more.
Identifiers: ClinVar variation 1798305 (VCV001798305.6), dbSNP rs2538473355, ClinGen allele CA467594385.